The following is an entry in ClinVar:

NM_001368894.2(PAX6):c.184G>A (p.Val62Met)

Gene: PAX6 (paired box 6; minus strand). Cytogenetic location: 11p13.
Variant type: single nucleotide variant.
Coding change: c.184G>A on transcript NM_001368894.2 (MANE Select); coding-DNA position 184, G replaced by A.
Protein change: p.Val62Met; replaces valine 62 with methionine.
Molecular consequence: missense variant. On other transcripts: 5 prime UTR variant (14), non-coding transcript variant (2).
Genome position (GRCh38, 1-based): chr11:31,801,776, C>T on the plus strand (G>A on the coding strand, the complement: PAX6 is on the minus strand). VCF-style: chr11-31801776-C-T. GRCh37 (hg19) VCF-style: chr11-31823324-C-T.
Other names: c.142G>A, p.Val48Met (NM_001310159.1, NM_001368887.2, NM_001368888.2 and 11 more transcripts); c.-598G>A (NM_001310160.2, NM_001368902.2, NM_001368905.2); c.-267G>A (NM_001310161.3, NM_001368899.2, NM_001368900.2 and 8 more transcripts); c.184G>A, p.Val62Met (NM_001368892.2, NM_001368893.2, NM_001368912.2 and 13 more transcripts); c.385G>A, p.Val129Met (NM_001368910.2); c.187G>A, p.Val63Met (NM_001368911.2); c.259G>A, p.Val87Met (NM_001368918.2, NM_001368919.2); c.217G>A, p.Val73Met (NM_001368920.2); short protein forms V63M, V62M, V87M, V129M, V48M, V73M.
Identifiers: ClinVar variation 4791945 (VCV004791945.1).

ClinVar aggregate classification (germline): Likely pathogenic (1 of 4 stars; one submission).

Conditions:
Aniridia 1 (AN1). Identifiers: Orphanet 250923, MedGen C0344542, MONDO:0024507, OMIM 106210.
Irido-corneo-trabecular dysgenesis (ASGD5). Also called: ANTERIOR SEGMENT DYSGENESIS 5. Identifiers: Orphanet 708, MedGen C0344559, MONDO:0011414, OMIM 604229, HP:0000659.

Submission:

Labcorp Genetics (formerly Invitae), Labcorp
Classification: Likely pathogenic for Aniridia 1; Irido-corneo-trabecular dysgenesis. Last evaluated: 2025-05-14. Review status: criteria provided, single submitter. Criteria: Invitae Variant Classification Sherloc (09022015). Collection method: clinical testing. Allele origin: germline.
Comment: This sequence change replaces valine, which is neutral and non-polar, with methionine, which is neutral and non-polar, at codon 48 of the PAX6 protein (p.Val48Met). This variant is not present in population databases (gnomAD no frequency). This missense change has been observed in individual(s) with clinical features of PAX6-related conditions (PMID: 34345029, 34415986; internal data). It has also been observed to segregate with disease in related individuals. This variant is also known as c.184 G>A; p.V62M. An algorithm developed to predict the effect of missense changes on protein structure and function (PolyPhen-2) suggests that this variant is likely to be disruptive. This variant disrupts the p.Val48 amino acid residue in PAX6. Other variant(s) that disrupt this residue have been observed in individuals with PAX6-related conditions (PMID: 18483559, 34345029, 34415986), which suggests that this may be a clinically significant amino acid residue. In summary, the currently available evidence indicates that the variant is pathogenic, but additional data are needed to prove that conclusively. Therefore, this variant has been classified as Likely Pathogenic.

Literature cited by the submitters: PubMed 34345029; PubMed 34415986; PubMed 18483559.